The following is an entry in ClinVar:

ClinVar aggregate classification (germline): Uncertain significance (1 of 4 stars; one submission).

gnomAD v4.1: 3 of 1,612,910 alleles (0.00019%); highest among the groups gnomAD compares: Admixed American, 0.005%; no homozygotes.

Submission:

Labcorp Genetics (formerly Invitae), Labcorp
Classification: Uncertain significance. Last evaluated: 2024-10-29. Review status: criteria provided, single submitter. Criteria: Invitae Variant Classification Sherloc (09022015). Collection method: clinical testing. Allele origin: germline.
Comment: This sequence change replaces alanine, which is neutral and non-polar, with proline, which is neutral and non-polar, at codon 2 of the CNGA3 protein (p.Ala2Pro). This variant is present in population databases (rs774668101, gnomAD 0.007%). This variant has not been reported in the literature in individuals affected with CNGA3-related conditions. ClinVar contains an entry for this variant (Variation ID: 2076794). Invitae Evidence Modeling of protein sequence and biophysical properties (such as structural, functional, and spatial information, amino acid conservation, physicochemical variation, residue mobility, and thermodynamic stability) indicates that this missense variant is expected to disrupt CNGA3 protein function with a positive predictive value of 95%. In summary, the available evidence is currently insufficient to determine the role of this variant in disease. Therefore, it has been classified as a Variant of Uncertain Significance.

NM_001298.3(CNGA3):c.4G>C (p.Ala2Pro)

Gene: CNGA3 (cyclic nucleotide gated channel subunit alpha 3; plus strand). Cytogenetic location: 2q11.2.
Variant type: single nucleotide variant.
Coding change: c.4G>C on transcript NM_001298.3 (MANE Select); coding-DNA position 4, G replaced by C.
Protein change: p.Ala2Pro; replaces alanine 2 with proline.
Molecular consequence: missense variant.
Genome position (GRCh38, 1-based): chr2:98,369,979, G>C. VCF-style: chr2-98369979-G-C. GRCh37 (hg19) VCF-style: chr2-98986442-G-C.
Other names: c.4G>C, p.Ala2Pro (NM_001079878.2); short protein forms A2P.
Identifiers: ClinVar variation 2076794 (VCV002076794.3), dbSNP rs774668101, ClinGen allele CA1793534.